The following is an entry in ClinVar:

NM_006767.4(LZTR1):c.2325G>C (p.Gln775His)

Gene: LZTR1 (leucine zipper like post translational regulator 1; plus strand). Cytogenetic location: 22q11.21.
Variant type: single nucleotide variant.
Coding change: c.2325G>C on transcript NM_006767.4 (MANE Select); coding-DNA position 2325, G replaced by C.
Protein change: p.Gln775His; replaces glutamine 775 with histidine.
Molecular consequence: missense variant.
Genome position (GRCh38, 1-based): chr22:20,996,801, G>C. VCF-style: chr22-20996801-G-C. GRCh37 (hg19) VCF-style: chr22-21351090-G-C.
Other names: c.2325G>C (NM_006767.3); short protein forms Q775H.
Identifiers: ClinVar variation 2179918 (VCV002179918.5), dbSNP rs377557832, ClinGen allele CA322273619.

ClinVar aggregate classification (germline): Uncertain significance. Review status: criteria provided, multiple submitters, no conflicts (2 of 4 stars). 2 submissions from 2 submitters: Uncertain significance (2). Last evaluated 2024-04-16.

Conditions:
Cardiovascular phenotype. Identifiers: MedGen CN230736.
Hereditary cancer-predisposing syndrome. Also called: Hereditary Cancer Syndrome; Neoplastic Syndromes, Hereditary; Tumor predisposition; Hereditary neoplastic syndrome. Identifiers: Orphanet 140162, MedGen C0027672, MeSH D009386, MONDO:0015356.

Allele frequency attached by ClinVar (database versions not stated): TOPMed below 0.00001; ESP Exome Variant Server 0.00008.
gnomAD v4.1: 6 of 1,613,612 alleles (0.00037%); highest among the groups gnomAD compares: South Asian, 0.0011%; no homozygotes.

Submissions (2):

Labcorp Genetics (formerly Invitae), Labcorp
Classification: Uncertain significance. Last evaluated: 2024-04-16. Review status: criteria provided, single submitter. Criteria: Invitae Variant Classification Sherloc (09022015). Collection method: clinical testing. Allele origin: germline.
Comment: This sequence change replaces glutamine, which is neutral and polar, with histidine, which is basic and polar, at codon 775 of the LZTR1 protein (p.Gln775His). This variant also falls at the last nucleotide of exon 19, which is part of the consensus splice site for this exon. This variant is not present in population databases (gnomAD no frequency). This variant has not been reported in the literature in individuals affected with LZTR1-related conditions. ClinVar contains an entry for this variant (Variation ID: 2179918). An algorithm developed to predict the effect of missense changes on protein structure and function (PolyPhen-2) suggests that this variant is likely to be tolerated. Variants that disrupt the consensus splice site are a relatively common cause of aberrant splicing (PMID: 17576681, 9536098). Algorithms developed to predict the effect of sequence changes on RNA splicing suggest that this variant may disrupt the consensus splice site. In summary, the available evidence is currently insufficient to determine the role of this variant in disease. Therefore, it has been classified as a Variant of Uncertain Significance.

Ambry Genetics
Classification: Uncertain significance for Cardiovascular phenotype; Hereditary cancer-predisposing syndrome. Last evaluated: 2023-08-21. Review status: criteria provided, single submitter. Criteria: Ambry Variant Classification Scheme 2023. Collection method: clinical testing. Allele origin: germline.
Comment: The p.Q775H variant (also known as c.2325G>C), located in coding exon 19 of the LZTR1 gene, results from a G to C substitution at nucleotide position 2325. The glutamine at codon 775 is replaced by histidine, an amino acid with highly similar properties. However, this change occurs in the last base pair of coding exon 19, which makes it likely to have some effect on normal mRNA splicing. This variant is considered to be rare based on population cohorts in the Genome Aggregation Database (gnomAD). This nucleotide position is highly conserved in available vertebrate species. This amino acid position is highly conserved in available vertebrate species. In silico splice site analysis predicts that this alteration will weaken the native splice donor site. In addition, as a missense substitution, the in silico prediction is inconclusive. Since supporting evidence is limited at this time, the clinical significance of this alteration remains unclear.

Literature cited by the submitters: PubMed 17576681 (cited by Labcorp Genetics (formerly Invitae), Labcorp); PubMed 9536098 (cited by Labcorp Genetics (formerly Invitae), Labcorp).